The following is an entry in ClinVar:

ClinVar aggregate classification (germline): Uncertain significance (1 of 4 stars; one submission).

Conditions:
Familial focal epilepsy with variable foci (FPEVF). Identifiers: Orphanet 98820, MedGen C1858477, MONDO:0020310.

Submission:

Labcorp Genetics (formerly Invitae), Labcorp
Classification: Uncertain significance for Familial focal epilepsy with variable foci. Last evaluated: 2024-02-26. Review status: criteria provided, single submitter. Criteria: Invitae Variant Classification Sherloc (09022015). Collection method: clinical testing. Allele origin: germline.
Comment: This sequence change replaces lysine, which is basic and polar, with glutamic acid, which is acidic and polar, at codon 28 of the DEPDC5 protein (p.Lys28Glu). This variant is not present in population databases (gnomAD no frequency). This variant has not been reported in the literature in individuals affected with DEPDC5-related conditions. ClinVar contains an entry for this variant (Variation ID: 939381). Experimental studies and prediction algorithms are not available or were not evaluated, and the functional significance of this variant is currently unknown. In summary, the available evidence is currently insufficient to determine the role of this variant in disease. Therefore, it has been classified as a Variant of Uncertain Significance.

NM_001242896.3(DEPDC5):c.82A>G (p.Lys28Glu)

Gene: DEPDC5 (DEP domain containing 5, GATOR1 subcomplex subunit; plus strand). Cytogenetic location: 22q12.2.
Variant type: single nucleotide variant.
Coding change: c.82A>G on transcript NM_001242896.3 (MANE Select); coding-DNA position 82, A replaced by G.
Protein change: p.Lys28Glu; replaces lysine 28 with glutamic acid.
Molecular consequence: missense variant. On other transcripts: non-coding transcript variant (5).
Genome position (GRCh38, 1-based): chr22:31,758,569, A>G. VCF-style: chr22-31758569-A-G. GRCh37 (hg19) VCF-style: chr22-32154555-A-G.
Other names: c.82A>G, p.Lys28Glu (NM_001007188.4, NM_001136029.4, NM_001242897.2 and 9 more transcripts); short protein forms K28E.
Identifiers: ClinVar variation 939381 (VCV000939381.9), dbSNP rs2082124844, ClinGen allele CA411278816.
Genomic context (GRCh38, chr22:31,758,569, plus strand): 5'-GTGTTTTTCTACTTGAAGTGGCTGAATTGTCTTTCAGATGATGAGCTAGTTGTGAACCCC[A>G]AAGTGTTCCCTCACATCAAGCTTGGAGACATTGTAGAGATTGCACACCCCAACGATGAAT-3'
Protein context (NP_001229825.1, residues 18-38): GSDDELVVNP[Lys28Glu]VFPHIKLGDI